The following is an entry in ClinVar:

ClinVar aggregate classification (germline): Likely benign. Review status: criteria provided, multiple submitters, no conflicts (2 of 4 stars). 3 submissions from 3 submitters: Likely benign (3). Last evaluated 2025-05-01.

Conditions:
Inborn genetic diseases. Identifiers: MedGen C0950123, MeSH D030342.

Allele frequency attached by ClinVar (database versions not stated): TOPMed 0.00008; ExAC 0.00020.

Submissions (3):

CeGaT Center for Human Genetics Tuebingen
Classification: Likely benign. Last evaluated: 2025-05-01. Review status: criteria provided, single submitter. Criteria: CeGaT Center For Human Genetics Tuebingen Variant Classification Criteria Version 2. Collection method: clinical testing. Allele origin: germline. Affected: yes. Observed: 1 variant allele.
Comment: PRR12: BS1

Blueprint Genetics
Classification: Likely benign. Last evaluated: 2024-11-08. Review status: criteria provided, single submitter. Criteria: ACMG Guidelines, 2015. Collection method: clinical testing. Allele origin: germline.

Ambry Genetics
Classification: Likely benign for Inborn genetic diseases. Last evaluated: 2022-12-15. Review status: criteria provided, single submitter. Criteria: Ambry Variant Classification Scheme 2023. Collection method: clinical testing. Allele origin: germline.

NM_020719.3(PRR12):c.2930G>C (p.Gly977Ala)

Gene: PRR12 (proline rich 12; plus strand). Cytogenetic location: 19q13.33.
Variant type: single nucleotide variant.
Coding change: c.2930G>C on transcript NM_020719.3 (MANE Select); coding-DNA position 2930, G replaced by C.
Protein change: p.Gly977Ala; replaces glycine 977 with alanine.
Molecular consequence: missense variant.
Genome position (GRCh38, 1-based): chr19:49,597,265, G>C. VCF-style: chr19-49597265-G-C. GRCh37 (hg19) VCF-style: chr19-50100522-G-C.
Other names: short protein forms G977A.
Identifiers: ClinVar variation 3219285 (VCV003219285.12), dbSNP rs375802513, ClinGen allele CA9578215.